The following is an entry in ClinVar:

NM_000257.4(MYH7):c.1912G>T (p.Ala638Ser)

Gene: MYH7 (myosin heavy chain 7; minus strand). Cytogenetic location: 14q11.2.
Variant type: single nucleotide variant.
Coding change: c.1912G>T on transcript NM_000257.4 (MANE Select); coding-DNA position 1912, G replaced by T.
Protein change: p.Ala638Ser; replaces alanine 638 with serine.
Molecular consequence: missense variant.
Genome position (GRCh38, 1-based): chr14:23,427,284, C>A on the plus strand (G>T on the coding strand, the complement: MYH7 is on the minus strand). VCF-style: chr14-23427284-C-A. GRCh37 (hg19) VCF-style: chr14-23896493-C-A.
Other names: c.1912G>T, p.Ala638Ser (NM_001407004.1); short protein forms A638S.
Identifiers: ClinVar variation 2012422 (VCV002012422.4), dbSNP rs2138671153, ClinGen allele CA389049549.
Genomic context (GRCh38, chr14:23,427,284, plus strand): 5'-GCTGTGTCCCACTCACCCTGTGCAGAGCTGACACAGTCTGAAAGGACGAGCCTTTCTTGG[C>A]CTTGCCTTTGCCCTTCTCAATAGCTGCAGGAAGGAGAGTCAACAAAAGAAGCATCAGTGT-3'
Protein context (NP_000248.2, residues 628-648): DAPIEKGKGK[Ala638Ser]KKGSSFQTVS

ClinVar aggregate classification (germline): Uncertain significance (1 of 4 stars; one submission).

Conditions:
Hypertrophic cardiomyopathy. Also called: HYPERTROPHIC MYOCARDIOPATHY. Identifiers: Orphanet 217569, MedGen C0007194, MeSH D002312, MONDO:0005045, HP:0001639.

Allele frequency attached by ClinVar (database versions not stated): gnomAD exomes below 0.00001.
gnomAD v4.1: 1 of 1,614,106 alleles (0.000062%); highest among the groups gnomAD compares: Non-Finnish European, 0.000085%; no homozygotes.

Submission:

Labcorp Genetics (formerly Invitae), Labcorp
Classification: Uncertain significance for Hypertrophic cardiomyopathy. Last evaluated: 2025-03-18. Review status: criteria provided, single submitter. Criteria: Invitae Variant Classification Sherloc (09022015). Collection method: clinical testing. Allele origin: germline.
Comment: This sequence change replaces alanine, which is neutral and non-polar, with serine, which is neutral and polar, at codon 638 of the MYH7 protein (p.Ala638Ser). This variant is not present in population databases (gnomAD no frequency). This variant has not been reported in the literature in individuals affected with MYH7-related conditions. ClinVar contains an entry for this variant (Variation ID: 2012422). Invitae Evidence Modeling of protein sequence and biophysical properties (such as structural, functional, and spatial information, amino acid conservation, physicochemical variation, residue mobility, and thermodynamic stability) indicates that this missense variant is not expected to disrupt MYH7 protein function with a negative predictive value of 95%. This variant is found within a region of MYH7 between codons 181 and 937 that contains the majority of the myosin head domain. Missense variants in this region have been shown to be significantly overrepresented in individuals with hypertrophic cardiomyopathy (PMID: 27532257). In summary, the available evidence is currently insufficient to determine the role of this variant in disease. Therefore, it has been classified as a Variant of Uncertain Significance.

Literature cited by the submitters: PubMed 27532257.